The following is an entry in ClinVar:

NM_005989.4(AKR1D1):c.614del (p.Leu205fs)

Gene: AKR1D1 (aldo-keto reductase family 1 member D1; plus strand). Cytogenetic location: 7q33.
Variant type: Deletion.
Coding change: c.614del on transcript NM_005989.4 (MANE Select); coding-DNA position 614, one base deleted (T; older notation c.614delT).
Protein change: p.Leu205fs; shifts the reading frame from leucine 205.
Molecular consequence: frameshift variant.
Genome position (GRCh38, 1-based): chr7:138,106,642, T deleted. VCF-style (leftmost placement, unchanged base first): chr7-138106641-CT-C. GRCh37 (hg19) VCF-style: chr7-137791387-CT-C.
Other names: c.491del, p.Leu164fs (NM_001190906.2); c.614del, p.Leu205fs (NM_001190907.2); short protein forms L164fs, L205fs.
Identifiers: ClinVar variation 5007157 (VCV005007157.2).

ClinVar aggregate classification (germline): Pathogenic (1 of 4 stars; one submission).

Conditions:
Congenital bile acid synthesis defect 2 (CBAS2). Also called: CHOLESTASIS WITH DELTA(4)-3-OXOSTEROID 5-BETA-REDUCTASE DEFICIENCY. Identifiers: Orphanet 79303, MedGen C1856127, MONDO:0009339, OMIM 235555.

Submission:

Juno Genomics, Hangzhou Juno Genomics, Inc
Classification: Pathogenic for Congenital bile acid synthesis defect 2. Review status: criteria provided, single submitter. Criteria: ACMG Guidelines, 2015. Collection method: clinical testing. Allele origin: germline.
Comment: Absent from controls (or at extremely low frequency if recessive) in Genome Aggregation Database.;Null variant in a gene where loss of function (LOF) is a known mechanism of disease.;For recessive disorders, detected in trans with a pathogenic variant.;Patient's phenotype or family history is highly specific for a disease with a single genetic etiology.